The following is an entry in ClinVar:

ClinVar aggregate classification (germline): Uncertain significance (1 of 4 stars; one submission).

Allele frequency attached by ClinVar (database versions not stated): gnomAD 0.00001; gnomAD exomes 0.00001; ExAC 0.00005; 1000 Genomes Project 0.00020; 1000 Genomes Project 30x 0.00031.
gnomAD v4.1: 15 of 1,611,478 alleles (0.00093%); highest among the groups gnomAD compares: East Asian, 0.011%; no homozygotes.

Submission:

Labcorp Genetics (formerly Invitae), Labcorp
Classification: Uncertain significance. Last evaluated: 2023-07-17. Review status: criteria provided, single submitter. Criteria: Invitae Variant Classification Sherloc (09022015). Collection method: clinical testing. Allele origin: germline.
Comment: In summary, the available evidence is currently insufficient to determine the role of this variant in disease. Therefore, it has been classified as a Variant of Uncertain Significance. Advanced modeling of protein sequence and biophysical properties (such as structural, functional, and spatial information, amino acid conservation, physicochemical variation, residue mobility, and thermodynamic stability) performed at Invitae indicates that this missense variant is expected to disrupt UBE3B protein function. This variant has not been reported in the literature in individuals affected with UBE3B-related conditions. This variant is present in population databases (rs200389976, gnomAD 0.03%). This sequence change replaces arginine, which is basic and polar, with histidine, which is basic and polar, at codon 1029 of the UBE3B protein (p.Arg1029His).

NM_130466.4(UBE3B):c.3086G>A (p.Arg1029His)

Gene: UBE3B (ubiquitin protein ligase E3B; plus strand). Cytogenetic location: 12q24.11.
Variant type: single nucleotide variant.
Coding change: c.3086G>A on transcript NM_130466.4 (MANE Select); coding-DNA position 3086, G replaced by A.
Protein change: p.Arg1029His; replaces arginine 1029 with histidine.
Molecular consequence: missense variant.
Genome position (GRCh38, 1-based): chr12:109,534,661, G>A. VCF-style: chr12-109534661-G-A. GRCh37 (hg19) VCF-style: chr12-109972466-G-A.
Other names: c.3086G>A, p.Arg1029His (NM_183415.3); short protein forms R1029H.
Identifiers: ClinVar variation 2893893 (VCV002893893.2), dbSNP rs200389976, ClinGen allele CA6778475.